The following is an entry in ClinVar:

ClinVar aggregate classification (germline): Uncertain significance. Review status: criteria provided, multiple submitters, no conflicts (2 of 4 stars). 2 submissions from 2 submitters: Uncertain significance (2). Last evaluated 2025-11-03.

Allele frequency attached by ClinVar (database versions not stated): TOPMed 0.00002; gnomAD 0.00004 and 0.00013; gnomAD exomes 0.00007 and 0.00032; ExAC 0.00010; 1000 Genomes Project 30x 0.00062; 1000 Genomes Project 0.00080.
gnomAD v4.1: 466 of 1,614,046 alleles (0.029%); highest among the groups gnomAD compares: East Asian, 1%; 11 homozygotes.

Submissions (2):

Ambry Genetics
Classification: Uncertain significance. Last evaluated: 2025-11-03. Review status: criteria provided, single submitter. Criteria: Ambry Variant Classification Scheme 2023. Collection method: clinical testing. Allele origin: germline.

Labcorp Genetics (formerly Invitae), Labcorp
Classification: Uncertain significance. Last evaluated: 2024-08-22. Review status: criteria provided, single submitter. Criteria: Invitae Variant Classification Sherloc (09022015). Collection method: clinical testing. Allele origin: germline.
Comment: This sequence change replaces asparagine, which is neutral and polar, with lysine, which is basic and polar, at codon 239 of the DHX32 protein (p.Asn239Lys). This variant is present in population databases (rs141506421, gnomAD 0.1%), and has an allele count higher than expected for a pathogenic variant. This variant has not been reported in the literature in individuals affected with DHX32-related conditions. ClinVar contains an entry for this variant (Variation ID: 1462689). An algorithm developed to predict the effect of missense changes on protein structure and function outputs the following: PolyPhen-2: "Benign". The lysine amino acid residue is found in multiple mammalian species, which suggests that this missense change does not adversely affect protein function. In summary, the available evidence is currently insufficient to determine the role of this variant in disease. Therefore, it has been classified as a Variant of Uncertain Significance.

NM_018180.3(DHX32):c.717T>G (p.Asn239Lys)

Gene: DHX32 (DEAH-box helicase 32 (putative); minus strand). Cytogenetic location: 10q26.2.
Variant type: single nucleotide variant.
Coding change: c.717T>G on transcript NM_018180.3 (MANE Select); coding-DNA position 717, T replaced by G.
Protein change: p.Asn239Lys; replaces asparagine 239 with lysine.
Molecular consequence: missense variant.
Genome position (GRCh38, 1-based): chr10:125,859,735, A>C on the plus strand (T>G on the coding strand, the complement: DHX32 is on the minus strand). VCF-style: chr10-125859735-A-C. GRCh37 (hg19) VCF-style: chr10-127548304-A-C.
Other names: c.717T>G (NM_018180.2); short protein forms N239K.
Identifiers: ClinVar variation 1462689 (VCV001462689.7), dbSNP rs141506421, ClinGen allele CA5739397.